The following is an entry in ClinVar:

NM_004958.4(MTOR):c.2911G>C (p.Val971Leu)

Gene: MTOR (mechanistic target of rapamycin kinase; minus strand). Cytogenetic location: 1p36.22.
Variant type: single nucleotide variant.
Coding change: c.2911G>C on transcript NM_004958.4 (MANE Select); coding-DNA position 2911, G replaced by C.
Protein change: p.Val971Leu; replaces valine 971 with leucine.
Molecular consequence: missense variant.
Genome position (GRCh38, 1-based): chr1:11,228,787, C>G on the plus strand (G>C on the coding strand, the complement: MTOR is on the minus strand). VCF-style: chr1-11228787-C-G. GRCh37 (hg19) VCF-style: chr1-11288844-C-G.
Other names: c.2911G>C, p.Val971Leu (NM_001386500.1); c.1663G>C, p.Val555Leu (NM_001386501.1); short protein forms V555L, V971L.
Identifiers: ClinVar variation 1303693 (VCV001303693.2), dbSNP rs2100855513, ClinGen allele CA338379186.

ClinVar aggregate classification (germline): Uncertain significance (1 of 4 stars; one submission).

Submission:

GeneDx
Classification: Uncertain significance. Last evaluated: 2019-05-06. Review status: criteria provided, single submitter. Criteria: GeneDx Variant Classification Process June 2021. Collection method: clinical testing. Allele origin: germline. Affected: yes.
Comment: Not observed in large population cohorts (Lek et al., 2016); Has not been previously published as pathogenic or benign to our knowledge